The following is an entry in ClinVar:

NM_033118.4(MYLK2):c.1514C>A (p.Thr505Asn)

Gene: MYLK2 (myosin light chain kinase 2; plus strand). Cytogenetic location: 20q11.21.
Variant type: single nucleotide variant.
Coding change: c.1514C>A on transcript NM_033118.4 (MANE Select); coding-DNA position 1514, C replaced by A.
Protein change: p.Thr505Asn; replaces threonine 505 with asparagine.
Molecular consequence: missense variant.
Genome position (GRCh38, 1-based): chr20:31,831,792, C>A. VCF-style: chr20-31831792-C-A. GRCh37 (hg19) VCF-style: chr20-30419595-C-A.
Other names: short protein forms T505N.
Identifiers: ClinVar variation 4708742 (VCV004708742.1).

ClinVar aggregate classification (germline): Uncertain significance (1 of 4 stars; one submission).

Conditions:
Hypertrophic cardiomyopathy 1 (CMH1). Also called: MYH7-Related Familial Hypertrophic Cardiomyopathy; Familial hypertrophic cardiomyopathy 1. Identifiers: MedGen C3495498, MONDO:0008647, OMIM 192600.

gnomAD v4.1: 19 of 1,614,144 alleles (0.0012%); highest among the groups gnomAD compares: Non-Finnish European, 0.0015%; 1 homozygote.

Submission:

Labcorp Genetics (formerly Invitae), Labcorp
Classification: Uncertain significance for Hypertrophic cardiomyopathy 1. Last evaluated: 2025-07-27. Review status: criteria provided, single submitter. Criteria: Invitae Variant Classification Sherloc (09022015). Collection method: clinical testing. Allele origin: germline.
Comment: This sequence change replaces threonine, which is neutral and polar, with asparagine, which is neutral and polar, at codon 505 of the MYLK2 protein (p.Thr505Asn). This variant is not present in population databases (gnomAD no frequency). This variant has not been reported in the literature in individuals affected with MYLK2-related conditions. Invitae Evidence Modeling of protein sequence and biophysical properties (such as structural, functional, and spatial information, amino acid conservation, physicochemical variation, residue mobility, and thermodynamic stability) indicates that this missense variant is not expected to disrupt MYLK2 protein function with a negative predictive value of 80%. In summary, the available evidence is currently insufficient to determine the role of this variant in disease. Therefore, it has been classified as a Variant of Uncertain Significance.